The following is an entry in ClinVar:

ClinVar aggregate classification (germline): Pathogenic (1 of 4 stars; one submission).

Allele frequency attached by ClinVar (database versions not stated): gnomAD exomes below 0.00001.

Submission:

GeneDx
Classification: Pathogenic. Last evaluated: 2024-02-13. Review status: criteria provided, single submitter. Criteria: GeneDx Variant Classification Process June 2021. Collection method: clinical testing. Allele origin: germline. Affected: yes.
Comment: Frameshift variant predicted to result in protein truncation or nonsense mediated decay in a gene for which loss of function is a known mechanism of disease; Not observed at significant frequency in large population cohorts (gnomAD); Has not been previously published as pathogenic or benign to our knowledge

NM_153704.6(TMEM67):c.385del (p.Cys129fs)

Gene: TMEM67 (transmembrane protein 67; plus strand). Cytogenetic location: 8q22.1.
Variant type: Deletion.
Coding change: c.385del on transcript NM_153704.6 (MANE Select); coding-DNA position 385, one base deleted (T; older notation c.385delT).
Protein change: p.Cys129fs; shifts the reading frame from cysteine 129.
Molecular consequence: frameshift variant. On other transcripts: non-coding transcript variant (1).
Genome position (GRCh38, 1-based): chr8:93,758,555, T deleted. VCF-style (leftmost placement, unchanged base first): chr8-93758554-CT-C. GRCh37 (hg19) VCF-style: chr8-94770782-CT-C.
Other names: c.8del, p.Leu3fs (NM_001142301.1); c.385delT (NM_153704.5); c.385del (NM_153704.5); short protein forms C129fs, L3fs.
Identifiers: ClinVar variation 504449 (VCV000504449.3), dbSNP rs1554614771, ClinGen allele CA658797128.